The following is an entry in ClinVar:

NM_001164508.2(NEB):c.3776T>C (p.Ile1259Thr)

Gene: NEB (nebulin; minus strand). Cytogenetic location: 2q23.3.
Variant type: single nucleotide variant.
Coding change: c.3776T>C on transcript NM_001164508.2 (MANE Select); coding-DNA position 3776, T replaced by C.
Protein change: p.Ile1259Thr; replaces isoleucine 1259 with threonine.
Molecular consequence: missense variant.
Genome position (GRCh38, 1-based): chr2:151,675,390, A>G on the plus strand (T>C on the coding strand, the complement: NEB is on the minus strand). VCF-style: chr2-151675390-A-G. GRCh37 (hg19) VCF-style: chr2-152531904-A-G.
Other names: c.3776T>C, p.Ile1259Thr (NM_001164507.2, NM_001271208.2, NM_004543.5); short protein forms I1259T.
Identifiers: ClinVar variation 533967 (VCV000533967.7), dbSNP rs1553522143, ClinGen allele CA348818216.
Genomic context (GRCh38, chr2:151,675,390, plus strand): 5'-GGAAGATCAGGACTCATGGTGTATTTATGTTTCACATCTTCTCCTTTAGCCTTGTATAAG[A>G]TCTGCAATAAAATGCATTTCACATAGTGCAAAAAGGAAAATCTATTAATTGTTTGCTTTA-3'
Protein context (NP_001157980.2, residues 1249-1269): AKQNTKQVSD[Ile1259Thr]LYKAKGEDVK

ClinVar aggregate classification (germline): Uncertain significance. Review status: criteria provided, multiple submitters, no conflicts (2 of 4 stars). 2 submissions from 2 submitters: Uncertain significance (2). Last evaluated 2026-04-23.

Conditions:
Nemaline myopathy 2 (NEM2). Also called: Nemaline myopathy 2, autosomal recessive. Identifiers: MedGen C1850569, MONDO:0009725, OMIM 256030.
NEB-related disorder. Also called: NEB-Related Disorders; NEB-related condition.

Submissions (2):

PreventionGenetics, part of Exact Sciences
Classification: Uncertain significance for NEB-related condition. Last evaluated: 2026-04-23. Review status: criteria provided, single submitter. Criteria: ACMG Guidelines, 2015. Collection method: clinical testing. Allele origin: germline.
Comment: The NEB c.3776T>C variant is predicted to result in the amino acid substitution p.Ile1259Thr. To our knowledge, this variant has not been reported in the literature or in a large population database (gnomAD), indicating this variant is rare. At this time, the clinical significance of this variant is uncertain due to the absence of conclusive functional and genetic evidence.

Labcorp Genetics (formerly Invitae), Labcorp
Classification: Uncertain significance for Nemaline myopathy 2. Last evaluated: 2022-06-27. Review status: criteria provided, single submitter. Criteria: Invitae Variant Classification Sherloc (09022015). Collection method: clinical testing. Allele origin: germline.
Comment: This sequence change replaces isoleucine, which is neutral and non-polar, with threonine, which is neutral and polar, at codon 1259 of the NEB protein (p.Ile1259Thr). This variant is not present in population databases (gnomAD no frequency). This variant has not been reported in the literature in individuals affected with NEB-related conditions. ClinVar contains an entry for this variant (Variation ID: 533967). Algorithms developed to predict the effect of missense changes on protein structure and function are either unavailable or do not agree on the potential impact of this missense change (SIFT: "Deleterious"; PolyPhen-2: "Not Available"; Align-GVGD: "Class C0"). In summary, the available evidence is currently insufficient to determine the role of this variant in disease. Therefore, it has been classified as a Variant of Uncertain Significance.